The following is an entry in ClinVar:

NM_020066.5(FMN2):c.2822G>C (p.Gly941Ala)

Gene: FMN2 (formin 2; plus strand). Cytogenetic location: 1q43.
Variant type: single nucleotide variant.
Coding change: c.2822G>C on transcript NM_020066.5 (MANE Select); coding-DNA position 2822, G replaced by C.
Protein change: p.Gly941Ala; replaces glycine 941 with alanine.
Molecular consequence: missense variant. On other transcripts: intron variant (1).
Genome position (GRCh38, 1-based): chr1:240,207,634, G>C. VCF-style: chr1-240207634-G-C. GRCh37 (hg19) VCF-style: chr1-240370934-G-C.
Other names: c.2834G>C, p.Gly945Ala (NM_001305424.2); c.1986+19372G>C (NM_001348094.2); short protein forms G941A, G945A.
Identifiers: ClinVar variation 3041884 (VCV003041884.1), dbSNP rs4997328, ClinGen allele CA1476778.

ClinVar aggregate classification (germline): Benign (1 of 4 stars; one submission).

Conditions:
FMN2-related disorder. Also called: FMN2-related condition.

Allele frequency attached by ClinVar (database versions not stated): ExAC 0.00668; 1000 Genomes Project 0.27656.

Submission:

PreventionGenetics, part of Exact Sciences
Classification: Benign for FMN2-related condition. Last evaluated: 2019-08-08. Review status: criteria provided, single submitter. Criteria: ACMG Guidelines, 2015. Collection method: clinical testing. Allele origin: germline.
Comment: This variant is classified as benign based on ACMG/AMP sequence variant interpretation guidelines (Richards et al. 2015 PMID: 25741868, with internal and published modifications).